The following is an entry in ClinVar:

NM_002291.3(LAMB1):c.38-126A>G

Gene: LAMB1 (laminin subunit beta 1; minus strand). Cytogenetic location: 7q31.1.
Variant type: single nucleotide variant.
Coding change: c.38-126A>G on transcript NM_002291.3 (MANE Select); 126 bases into the intron before coding-DNA position 38, A replaced by G.
Molecular consequence: intron variant.
Genome position (GRCh38, 1-based): chr7:108,001,859, T>C on the plus strand (A>G on the coding strand, the complement: LAMB1 is on the minus strand). VCF-style: chr7-108001859-T-C. GRCh37 (hg19) VCF-style: chr7-107642304-T-C.
Identifiers: ClinVar variation 5007141 (VCV005007141.2).

ClinVar aggregate classification (germline): Uncertain significance (1 of 4 stars; one submission).

Conditions:
Cobblestone lissencephaly without muscular or ocular involvement. Also called: LEUKOENCEPHALOPATHY WITH VARIABLE CORTICAL BRAIN MALFORMATIONS AND/OR HYDROCEPHALUS; Lissencephaly 5. Identifiers: Orphanet 352682, MedGen C3554657, MONDO:0014077, OMIM 615191.

Submission:

Juno Genomics, Hangzhou Juno Genomics, Inc
Classification: Uncertain significance for Cobblestone lissencephaly without muscular or ocular involvement. Review status: criteria provided, single submitter. Criteria: ACMG Guidelines, 2015. Collection method: clinical testing. Allele origin: germline.
Comment: Absent from controls (or at extremely low frequency if recessive) in Genome Aggregation Database.;Multiple lines of computational evidence support a deleterious effect on the gene or gene product.